The following is an entry in ClinVar:

ClinVar aggregate classification (germline): Uncertain significance (1 of 4 stars; one submission).

Conditions:
Aortic aneurysm, familial thoracic 4 (AAT4). Also called: AORTIC ANEURYSM/AORTIC DISSECTION AND PATENT DUCTUS ARTERIOSUS. Identifiers: MedGen C1851504, MONDO:0007568, OMIM 132900.

Allele frequency attached by ClinVar (database versions not stated): gnomAD exomes below 0.00001.
gnomAD v4.1: 2 of 1,614,010 alleles (0.00012%); highest among the groups gnomAD compares: Non-Finnish European, 0.00017%; no homozygotes.

Submission:

Labcorp Genetics (formerly Invitae), Labcorp
Classification: Uncertain significance for Aortic aneurysm, familial thoracic 4. Last evaluated: 2017-08-17. Review status: criteria provided, single submitter. Criteria: Invitae Variant Classification Sherloc (09022015). Collection method: clinical testing. Allele origin: germline.
Comment: In summary, the available evidence is currently insufficient to determine the role of this variant in disease. Therefore, it has been classified as a Variant of Uncertain Significance. Algorithms developed to predict the effect of sequence changes on RNA splicing suggest that this variant may disrupt the consensus splice site, but this prediction has not been confirmed by published transcriptional studies. This variant has not been reported in the literature in individuals with MYH11-related disease. This variant is not present in population databases (ExAC no frequency). This sequence change falls in intron 7 of the MYH11 gene. It does not directly change the encoded amino acid sequence of the MYH11 protein.

NM_002474.3(MYH11):c.727-5G>A

Gene: MYH11 (myosin heavy chain 11; minus strand). Cytogenetic location: 16p13.11.
Variant type: single nucleotide variant.
Coding change: c.727-5G>A on transcript NM_002474.3 (MANE Select); 5 bases into the intron before coding-DNA position 727, G replaced by A.
Molecular consequence: intron variant.
Genome position (GRCh38, 1-based): chr16:15,778,848, C>T on the plus strand (G>A on the coding strand, the complement: MYH11 is on the minus strand). VCF-style: chr16-15778848-C-T. GRCh37 (hg19) VCF-style: chr16-15872705-C-T.
Other names: c.727-5G>A (NM_022844.3); c.748-5G>A (NM_001040114.2, NM_001040113.2).
Identifiers: ClinVar variation 534144 (VCV000534144.8), dbSNP rs1555566938, ClinGen allele CA658798554.